The following is an entry in ClinVar:

NM_000059.4(BRCA2):c.7618-20T>A

Gene: BRCA2 (BRCA2 DNA repair associated; plus strand). Cytogenetic location: 13q13.1.
Variant type: single nucleotide variant.
Coding change: c.7618-20T>A on transcript NM_000059.4 (MANE Select); 20 bases into the intron before coding-DNA position 7618, T replaced by A.
Molecular consequence: intron variant.
Genome position (GRCh38, 1-based): chr13:32,357,722, T>A. VCF-style: chr13-32357722-T-A. GRCh37 (hg19) VCF-style: chr13-32931859-T-A.
Other names: c.7618-20T>A (NM_001432077.1, NM_001406720.1); c.7522-20T>A (NM_001406719.1); c.2686-20T>A (NM_001406721.1); c.1201-20T>A (NM_001406722.1).
Identifiers: ClinVar variation 3825436 (VCV003825436.1).
Genomic context (GRCh38, chr13:32,357,722, plus strand): 5'-TTTGTTATAATTGTTTTTATTGTGTGATACATGTTTACTTTAAATTGTTTTTCTTTTTTG[T>A]GTGTGTTTATTTTGTGTAGCTGTATACGTATGGCGTTTCTAAACATTGCATAAAAATTAA-3'

ClinVar aggregate classification (germline): Uncertain significance (1 of 4 stars; one submission).

Conditions:
Hereditary cancer-predisposing syndrome. Also called: Hereditary neoplastic syndrome; Neoplastic Syndromes, Hereditary; Tumor predisposition; Hereditary Cancer Syndrome. Identifiers: Orphanet 140162, MedGen C0027672, MeSH D009386, MONDO:0015356.

Submission:

Ambry Genetics
Classification: Uncertain significance for Hereditary cancer-predisposing syndrome. Last evaluated: 2025-01-31. Review status: criteria provided, single submitter. Criteria: Ambry Variant Classification Scheme 2023. Collection method: clinical testing. Allele origin: germline.
Comment: The c.7618-20T>A intronic variant results from a T to A substitution 20 nucleotides upstream from coding exon 15 in the BRCA2 gene. This nucleotide position is highly conserved in available vertebrate species. In silico splice site analysis predicts that this alteration may weaken the native splice acceptor site; however, direct evidence is insufficient at this time (Ambry internal data). Based on the available evidence, the clinical significance of this variant remains unclear.